The following is an entry in ClinVar:

ClinVar aggregate classification (germline): Likely benign. Review status: criteria provided, single submitter (1 of 4 stars). 2 submissions from 2 submitters: Likely benign (1). 1 of the submissions does not count toward it. Last evaluated 2025-01-17.

Conditions:
RTEL1-related disorder. Also called: RTEL1-related condition; RTEL1-related disorders.
Inborn genetic diseases. Identifiers: MedGen C0950123, MeSH D030342.

Allele frequency attached by ClinVar (database versions not stated): gnomAD exomes below 0.00001.
gnomAD v4.1: 1 of 1,613,592 alleles (0.000062%); highest among the groups gnomAD compares: Non-Finnish European, 0.000085%; no homozygotes.

Submissions (2):

Ambry Genetics
Classification: Likely benign for Inborn genetic diseases. Last evaluated: 2025-01-17. Review status: criteria provided, single submitter. Criteria: Ambry Variant Classification Scheme 2023. Collection method: clinical testing. Allele origin: germline.

PreventionGenetics, part of Exact Sciences
Classification: Likely benign for RTEL1-related condition. Last evaluated: 2022-02-23. Review status: no assertion criteria provided. Collection method: clinical testing. Allele origin: germline. Not counted in ClinVar's aggregate classification.
Comment: This variant is classified as likely benign based on ACMG/AMP sequence variant interpretation guidelines (Richards et al. 2015 PMID: 25741868, with internal and published modifications).

NM_001283009.2(RTEL1):c.6C>T (p.Pro2=)

Genes: RTEL1 (regulator of telomere elongation helicase 1; plus strand), RTEL1-TNFRSF6B (RTEL1-TNFRSF6B readthrough (NMD candidate); plus strand). Cytogenetic location: 20q13.33.
Variant type: single nucleotide variant.
Coding change: c.6C>T on transcript NM_001283009.2 (MANE Select); coding-DNA position 6, C replaced by T.
Protein change: p.Pro2=; no amino-acid change (proline 2 retained).
Molecular consequence: synonymous variant. On other transcripts: non-coding transcript variant (1), intron variant (1).
Genome position (GRCh38, 1-based): chr20:63,659,408, C>T. VCF-style: chr20-63659408-C-T. GRCh37 (hg19) VCF-style: chr20-62290761-C-T.
Other names: c.6C>T, p.Pro2= (NM_016434.4, NM_032957.5); c.-568+949C>T (NM_001283010.1).
Identifiers: ClinVar variation 3031105 (VCV003031105.3), dbSNP rs2516985998, ClinGen allele CA511372279.